The following is an entry in ClinVar:

NM_001005361.3(DNM2):c.689-3C>T

Gene: DNM2 (dynamin 2; plus strand). Cytogenetic location: 19p13.2.
Variant type: single nucleotide variant.
Coding change: c.689-3C>T on transcript NM_001005361.3 (MANE Select); 3 bases into the intron before coding-DNA position 689, C replaced by T.
Molecular consequence: intron variant.
Genome position (GRCh38, 1-based): chr19:10,782,957, C>T. VCF-style: chr19-10782957-C-T. GRCh37 (hg19) VCF-style: chr19-10893633-C-T.
Other names: c.689-3C>T (NM_001005360.3, NM_001190716.2, NM_004945.4 and 1 more transcripts).
Identifiers: ClinVar variation 465291 (VCV000465291.8), dbSNP rs373330742, ClinGen allele CA305273979.

ClinVar aggregate classification (germline): Uncertain significance (1 of 4 stars; one submission).

Conditions:
Charcot-Marie-Tooth disease dominant intermediate B (CMTDIB). Also called: CHARCOT-MARIE-TOOTH NEUROPATHY, DOMINANT INTERMEDIATE B; Charcot-Marie-Tooth disease dominant intermediate 1; CMT DI1; Charcot-Marie-Tooth disease dominant intermediate I. Identifiers: Orphanet 100044, Orphanet 228179, MedGen C1847902, MONDO:0011674, OMIM 606482.

Allele frequency attached by ClinVar (database versions not stated): gnomAD 0.00001; TOPMed 0.00002; ESP Exome Variant Server 0.00008.
gnomAD v4.1: 1 of 1,613,968 alleles (0.000062%); highest among the groups gnomAD compares: African/African-American, 0.0013%; no homozygotes.

Submission:

Labcorp Genetics (formerly Invitae), Labcorp
Classification: Uncertain significance for Charcot-Marie-Tooth disease dominant intermediate B. Last evaluated: 2017-07-03. Review status: criteria provided, single submitter. Criteria: Invitae Variant Classification Sherloc (09022015). Collection method: clinical testing. Allele origin: germline.
Comment: This variant is not present in population databases (ExAC no frequency). This sequence change falls in intron 5 of the DNM2 gene. It does not directly change the encoded amino acid sequence of the DNM2 protein, but it affects a nucleotide within the consensus splice site of the intron. In summary, the available evidence is currently insufficient to determine the role of this variant in disease. Therefore, it has been classified as a Variant of Uncertain Significance. Nucleotide substitutions within the consensus splice site are relatively common causes of aberrant splicing (PMID: 17576681, 9536098). Algorithms developed to predict the effect of sequence changes on RNA splicing suggest that this variant is not likely to affect RNA splicing, but this prediction has not been confirmed by published transcriptional studies. This variant has not been reported in the literature in individuals with DNM2-related disease.

Literature cited by the submitters: PubMed 17576681; PubMed 9536098.